The following is an entry in ClinVar:

NM_006269.2(RP1):c.2747_2763del (p.Ile916fs)

Gene: RP1 (RP1 axonemal microtubule associated; plus strand). Cytogenetic location: 8q12.1.
Variant type: Deletion.
Coding change: c.2747_2763del on transcript NM_006269.2 (MANE Select); coding-DNA positions 2747 to 2763, 17 bases deleted (TACAGAGTTGGTTGCAG).
Protein change: p.Ile916fs; shifts the reading frame from isoleucine 916.
Molecular consequence: frameshift variant. On other transcripts: intron variant (1).
Genome position (GRCh38, 1-based): chr8:54,626,629-54,626,645, TACAGAGTTGGTTGCAG deleted. VCF-style (leftmost placement, unchanged base first): chr8-54626628-ATACAGAGTTGGTTGCAG-A. GRCh37 (hg19) VCF-style: chr8-55539188-ATACAGAGTTGGTTGCAG-A.
Other names: c.787+4341_787+4357del (NM_001375654.1); short protein forms I916fs.
Identifiers: ClinVar variation 1428425 (VCV001428425.8), dbSNP rs2129316820, ClinGen allele CA2573143171.

ClinVar aggregate classification (germline): Pathogenic (1 of 4 stars; one submission).

Allele frequency attached by ClinVar (database versions not stated): gnomAD exomes below 0.00001.

Submission:

Labcorp Genetics (formerly Invitae), Labcorp
Classification: Pathogenic. Last evaluated: 2022-03-09. Review status: criteria provided, single submitter. Criteria: Invitae Variant Classification Sherloc (09022015). Collection method: clinical testing. Allele origin: germline.
Comment: For these reasons, this variant has been classified as Pathogenic. This variant disrupts the C-terminus of the RP1 protein. Many variants that disrupt this region have been reported in individuals with either autosomal dominant or autosomal recessive retinitis pigmentosa (PMID: 11527933, 19933189, 29425069, 30027431). Therefore, variants that disrupt this region are expected to be disease-causing. This premature translational stop signal has been observed in individual(s) with clinical features of autosomal dominant retinitis pigmentosa (Invitae). This variant is not present in population databases (gnomAD no frequency). This sequence change creates a premature translational stop signal (p.Ile916Lysfs*18) in the RP1 gene. While this is not anticipated to result in nonsense mediated decay, it is expected to disrupt the last 1241 amino acid(s) of the RP1 protein.

Literature cited by the submitters: PubMed 11527933; PubMed 19933189; PubMed 29425069; PubMed 30027431.